The following is an entry in ClinVar:

ClinVar aggregate classification (germline): Uncertain significance (1 of 4 stars; one submission).

Submission:

GeneDx
Classification: Uncertain significance. Last evaluated: 2021-06-04. Review status: criteria provided, single submitter. Criteria: GeneDx Variant Classification Process June 2021. Collection method: clinical testing. Allele origin: germline. Affected: yes.
Comment: Not observed at significant frequency in large population cohorts (Lek et al., 2016); Occurs in the triple helical domain at the X position in the canonical Gly-X-Y repeat; although this variant may have an effect on normal protein folding and function, missense substitution at the X position is not a common mechanism of disease; In silico analysis supports that this missense variant does not alter protein structure/function; Has not been previously published as pathogenic or benign to our knowledge; This variant is associated with the following publications: (PMID: 27535533)

NM_000091.5(COL4A3):c.2805A>C (p.Glu935Asp)

Genes: COL4A3 (collagen type IV alpha 3 chain; plus strand), MFF-DT (MFF divergent transcript; minus strand). Cytogenetic location: 2q36.3.
Variant type: single nucleotide variant.
Coding change: c.2805A>C on transcript NM_000091.5 (MANE Select); coding-DNA position 2805, A replaced by C.
Protein change: p.Glu935Asp; replaces glutamic acid 935 with aspartic acid.
Molecular consequence: missense variant.
Genome position (GRCh38, 1-based): chr2:227,284,269, A>C. VCF-style: chr2-227284269-A-C. GRCh37 (hg19) VCF-style: chr2-228148985-A-C.
Other names: short protein forms E935D.
Identifiers: ClinVar variation 1327385 (VCV001327385.2), dbSNP rs2106174959, ClinGen allele CA350852019.